The following is an entry in ClinVar:

ClinVar aggregate classification (germline): Likely benign. Review status: criteria provided, single submitter (1 of 4 stars). 2 submissions from 2 submitters: Likely benign (1). 1 of the submissions does not count toward it. Last evaluated 2024-06-26.

Conditions:
DNM1L-related disorder. Also called: DNM1L-related condition.

Allele frequency attached by ClinVar (database versions not stated): gnomAD exomes 0.00022; ExAC 0.00035; 1000 Genomes Project 30x 0.00187; 1000 Genomes Project 0.00200; ESP Exome Variant Server 0.00200; gnomAD 0.00227.

Submissions (2):

Blueprint Genetics
Classification: Likely benign. Last evaluated: 2024-06-26. Review status: criteria provided, single submitter. Criteria: ACMG Guidelines, 2015. Collection method: clinical testing. Allele origin: germline.

PreventionGenetics, part of Exact Sciences
Classification: Likely benign for DNM1L-related condition. Last evaluated: 2019-12-11. Review status: no assertion criteria provided. Collection method: clinical testing. Allele origin: germline. Not counted in ClinVar's aggregate classification.
Comment: This variant is classified as likely benign based on ACMG/AMP sequence variant interpretation guidelines (Richards et al. 2015 PMID: 25741868, with internal and published modifications).

NM_012062.5(DNM1L):c.*5_*6del

Gene: DNM1L (dynamin 1L; plus strand). Cytogenetic location: 12p11.21.
Variant type: Deletion.
Coding change: c.*5_*6del on transcript NM_012062.5 (MANE Select); 5 bases downstream of the stop codon through 6 bases downstream of the stop codon, 2 bases deleted (AA; older notation c.*5_*6delAA).
Molecular consequence: 3 prime UTR variant.
Genome position (GRCh38, 1-based): chr12:32,743,415-32,743,416, AA deleted. VCF-style (leftmost placement, unchanged base first): chr12-32743414-GAA-G. GRCh37 (hg19) VCF-style: chr12-32896348-GAA-G.
Other names: c.*5_*6del (NM_001278463.2, NM_001278464.2, NM_001278465.2 and 4 more transcripts).
Identifiers: ClinVar variation 3050179 (VCV003050179.3), dbSNP rs549896654, ClinGen allele CA6507808.
Genomic context (GRCh38, chr12:32,743,414, plus strand): 5'-GCATTACAAGGAGCCAGTCAAATTATTGCTGAAATCCGGGAGACTCATCTTTGGTGAAGA[GAA>G]CTATGTAATACTGAGACTTTGTTGACTCAAAACTTGCTAGTTACTGCCTACCTGAGTAGA-3'